The following is an entry in ClinVar:

NM_003480.4(MFAP5):c.62G>T (p.Trp21Leu)

Gene: MFAP5 (microfibril associated protein 5; minus strand). Cytogenetic location: 12p13.31.
Variant type: single nucleotide variant.
Coding change: c.62G>T on transcript NM_003480.4 (MANE Select); coding-DNA position 62, G replaced by T.
Protein change: p.Trp21Leu; replaces tryptophan 21 with leucine.
Molecular consequence: missense variant. On other transcripts: non-coding transcript variant (2), intron variant (1).
Genome position (GRCh38, 1-based): chr12:8,660,895, C>A on the plus strand (G>T on the coding strand, the complement: MFAP5 is on the minus strand). VCF-style: chr12-8660895-C-A. GRCh37 (hg19) VCF-style: chr12-8813491-C-A.
Other names: c.62G>T (NM_003480.2); c.62G>T, p.Trp21Leu (NM_001297709.2, NM_001297711.2, NM_001297712.2); c.58+1152G>T (NM_001297710.2); short protein forms W21L.
Identifiers: ClinVar variation 162200 (VCV000162200.10), dbSNP rs724159961, ClinGen allele CA295246.

ClinVar aggregate classification (germline): Conflicting classifications of pathogenicity. Review status: criteria provided, conflicting classifications (1 of 4 stars). 4 submissions from 4 submitters: Uncertain significance (2); Likely benign (1). 1 of the submissions does not count toward it. Last evaluated 2026-06-16.

Conditions:
Cardiovascular phenotype. Identifiers: MedGen CN230736.
Aortic aneurysm, familial thoracic 9 (AAT9). Identifiers: MedGen C4015368, MONDO:0014514, OMIM 616166.

Allele frequency attached by ClinVar (database versions not stated): gnomAD exomes 0.00003 and 0.00004; gnomAD 0.00006; ExAC 0.00002; TOPMed 0.00006.

Submissions (4):

Ambry Genetics
Classification: Uncertain significance for Cardiovascular phenotype. Last evaluated: 2026-06-16. Review status: criteria provided, single submitter. Criteria: Ambry Variant Classification Scheme 2023. Collection method: clinical testing. Allele origin: germline.
Comment: The p.W21L variant (also known as c.62G>T), located in coding exon 2 of the MFAP5 gene, results from a G to T substitution at nucleotide position 62. The tryptophan at codon 21 is replaced by leucine, an amino acid with similar properties. This amino acid position is well conserved in available vertebrate species. In addition, this alteration is predicted to be tolerated by in silico analysis. The evidence for this gene-disease relationship is limited; therefore, the clinical significance of this variant is unclear.

Labcorp Genetics (formerly Invitae), Labcorp
Classification: Uncertain significance. Last evaluated: 2025-10-16. Review status: criteria provided, single submitter. Criteria: Invitae Variant Classification Sherloc (09022015). Collection method: clinical testing. Allele origin: germline.
Comment: This sequence change replaces tryptophan, which is neutral and slightly polar, with leucine, which is neutral and non-polar, at codon 21 of the MFAP5 protein (p.Trp21Leu). This variant is present in population databases (rs724159961, gnomAD 0.09%). This missense change has been observed in individual(s) with thoracic aortic aneurysm and dissection (PMID: 25434006). It has also been observed to segregate with disease in related individuals. ClinVar contains an entry for this variant (Variation ID: 162200). An algorithm developed to predict the effect of missense changes on protein structure and function (PolyPhen-2) suggests that this variant is likely to be disruptive. Experimental studies have shown that this missense change affects MFAP5 function (PMID: 25434006). In summary, the available evidence is currently insufficient to determine the role of this variant in disease. Therefore, it has been classified as a Variant of Uncertain Significance.

Women's Health and Genetics/Laboratory Corporation of America, LabCorp
Classification: Likely benign. Last evaluated: 2024-08-12. Review status: criteria provided, single submitter. Criteria: LabCorp Variant Classification Summary - May 2015. Collection method: clinical testing. Allele origin: germline.
Comment: Variant summary: MFAP5 c.62G>T (p.Trp21Leu) results in a non-conservative amino acid change in the encoded protein sequence. Four of five in-silico tools predict a damaging effect of the variant on protein function. The variant allele was found at a frequency of 3.4e-05 in 1611808 control chromosomes. The observed variant frequency is approximately 2.68 fold of the estimated maximal expected allele frequency for a pathogenic variant in MFAP5 causing Thoracic Aortic Aneurysms And Dissections phenotype (1.3e-05). c.62G>T has been reported in the literature in the heterozygous state in at least 1 family affected with Thoracic Aortic Aneurysms And Dissections (example, Barbier_2014, Arnaud_2019). At least 1 family showed possible, but not compelling, evidence of segregation (example, Barbier_2014). These data do not allow any conclusion about variant significance. At least one publication reports experimental evidence evaluating an impact on protein function. Fibroblasts from affected individual showed decreased protein levels of MFAP5, as did in vitro experiments in HEK cells (example, Barbier_2014). The following publications have been ascertained in the context of this evaluation (PMID: 30739908, 25434006). ClinVar contains an entry for this variant (Variation ID: 162200). Based on the evidence outlined above, the variant was classified as likely benign.

OMIM
Classification: Pathogenic for AORTIC ANEURYSM, FAMILIAL THORACIC 9. Last evaluated: 2014-12-04. Review status: no assertion criteria provided. Collection method: literature only. Allele origin: germline. Not counted in ClinVar's aggregate classification.

Literature cited by the submitters: PubMed 25434006 (cited by 3 submitters); PubMed 30739908 (cited by Women's Health and Genetics/Laboratory Corporation of America, LabCorp).